The following is an entry in ClinVar:

ClinVar aggregate classification (germline): Uncertain significance (1 of 4 stars; one submission).

Conditions:
Noonan syndrome 9 (NS9). Identifiers: Orphanet 648, MedGen C4225282, MONDO:0014691, OMIM 616559.

Submission:

Labcorp Genetics (formerly Invitae), Labcorp
Classification: Uncertain significance for Noonan syndrome 9. Last evaluated: 2023-10-03. Review status: criteria provided, single submitter. Criteria: Invitae Variant Classification Sherloc (09022015). Collection method: clinical testing. Allele origin: germline.
Comment: This sequence change replaces serine, which is neutral and polar, with asparagine, which is neutral and polar, at codon 805 of the SOS2 protein (p.Ser805Asn). This variant is not present in population databases (gnomAD no frequency). This variant has not been reported in the literature in individuals affected with SOS2-related conditions. Advanced modeling of protein sequence and biophysical properties (such as structural, functional, and spatial information, amino acid conservation, physicochemical variation, residue mobility, and thermodynamic stability) performed at Invitae indicates that this missense variant is not expected to disrupt SOS2 protein function. In summary, the available evidence is currently insufficient to determine the role of this variant in disease. Therefore, it has been classified as a Variant of Uncertain Significance.

NM_006939.4(SOS2):c.2414G>A (p.Ser805Asn)

Gene: SOS2 (SOS Ras/Rho guanine nucleotide exchange factor 2; minus strand). Cytogenetic location: 14q21.3.
Variant type: single nucleotide variant.
Coding change: c.2414G>A on transcript NM_006939.4 (MANE Select); coding-DNA position 2414, G replaced by A.
Protein change: p.Ser805Asn; replaces serine 805 with asparagine.
Molecular consequence: missense variant.
Genome position (GRCh38, 1-based): chr14:50,145,567, C>T on the plus strand (G>A on the coding strand, the complement: SOS2 is on the minus strand). VCF-style: chr14-50145567-C-T. GRCh37 (hg19) VCF-style: chr14-50612285-C-T.
Other names: c.2315G>A, p.Ser772Asn (NM_001411020.1); short protein forms S772N, S805N.
Identifiers: ClinVar variation 2861255 (VCV002861255.3), dbSNP rs2502917469, ClinGen allele CA389643509.